The following is an entry in ClinVar:

NM_017757.3(ZNF407):c.427G>T (p.Val143Phe)

Gene: ZNF407 (zinc finger protein 407; plus strand). Cytogenetic location: 18q22.3.
Variant type: single nucleotide variant.
Coding change: c.427G>T on transcript NM_017757.3 (MANE Select); coding-DNA position 427, G replaced by T.
Protein change: p.Val143Phe; replaces valine 143 with phenylalanine.
Molecular consequence: missense variant.
Genome position (GRCh38, 1-based): chr18:74,631,446, G>T. VCF-style: chr18-74631446-G-T. GRCh37 (hg19) VCF-style: chr18-72343402-G-T.
Other names: c.427G>T, p.Val143Phe (NM_001146189.1, NM_001146190.1, NM_001384475.1); short protein forms V143F.
Identifiers: ClinVar variation 130822 (VCV000130822.32), dbSNP rs200158544, ClinGen allele CA156125.
Genomic context (GRCh38, chr18:74,631,446, plus strand): 5'-GGAGGCACATGTCTCCCAAATGCCCTCTCCCCTTCTTGCAATTTTAGCACTATTGATGTT[G>T]TTTCTCTGAAAACAGACACTGAAAAAACATCTGCTCAGGAAATGGTTTCCCTTGATCTGG-3'
Protein context (NP_060227.2, residues 133-153): PSCNFSTIDV[Val143Phe]SLKTDTEKTS

ClinVar aggregate classification (germline): Benign/Likely benign. Review status: criteria provided, multiple submitters, no conflicts (2 of 4 stars). 4 submissions from 4 submitters: Benign (2); Likely benign (1). 1 of the submissions does not count toward it. Last evaluated 2026-02-01.

Conditions:
ZNF407-related disorder. Also called: ZNF407-related condition.

Allele frequency attached by ClinVar (database versions not stated): 1000 Genomes Project 30x 0.00078; 1000 Genomes Project 0.00080; TOPMed 0.00249; gnomAD 0.00291 and 0.00293; ExAC 0.00298; gnomAD exomes 0.00321 and 0.00325; ESP Exome Variant Server 0.00325.
gnomAD v4.1: 5,120 of 1,613,954 alleles (0.32%); highest among the groups gnomAD compares: Middle Eastern, 0.35%; 10 homozygotes.

Submissions (4):

CeGaT Center for Human Genetics Tuebingen
Classification: Likely benign. Last evaluated: 2026-02-01. Review status: criteria provided, single submitter. Criteria: CeGaT Center For Human Genetics Tuebingen Variant Classification Criteria Version 2. Collection method: clinical testing. Allele origin: germline. Affected: yes. Observed: 3 variant alleles.
Comment: ZNF407: BP4

Genetic Services Laboratory, University of Chicago
Classification: Benign. Last evaluated: 2015-07-20. Review status: criteria provided, single submitter. Criteria: ACMG Guidelines, 2015. Collection method: clinical testing. Allele origin: germline.

Breakthrough Genomics
Classification: Benign. Review status: criteria provided, single submitter. Criteria: ACMG Guidelines, 2015. Collection method: not provided. Allele origin: germline. Inheritance: Autosomal recessive inheritance. Affected: yes.

PreventionGenetics, part of Exact Sciences
Classification: Benign for ZNF407-related condition. Last evaluated: 2019-09-10. Review status: no assertion criteria provided. Collection method: clinical testing. Allele origin: germline. Not counted in ClinVar's aggregate classification.
Comment: This variant is classified as benign based on ACMG/AMP sequence variant interpretation guidelines (Richards et al. 2015 PMID: 25741868, with internal and published modifications).